The following is an entry in ClinVar:

ClinVar aggregate classification (germline): Conflicting classifications of pathogenicity. Review status: criteria provided, conflicting classifications (1 of 4 stars). 9 submissions from 9 submitters: Pathogenic (1); Likely pathogenic (5); Uncertain significance (3). Last evaluated 2025-04-20.

Conditions:
MYH7-related disorder. Also called: MYH7-related disorders; MYH7-related condition; MYH7-related disease.
Cardiovascular phenotype. Identifiers: MedGen CN230736.
Hypertrophic cardiomyopathy. Also called: HYPERTROPHIC MYOCARDIOPATHY. Identifiers: Orphanet 217569, MedGen C0007194, MeSH D002312, MONDO:0005045, HP:0001639.
Hypertrophic cardiomyopathy 1 (CMH1). Also called: Familial hypertrophic cardiomyopathy 1; MYH7-Related Familial Hypertrophic Cardiomyopathy. Identifiers: MedGen C3495498, MONDO:0008647, OMIM 192600.

Submissions (9):

Labcorp Genetics (formerly Invitae), Labcorp
Classification: Likely pathogenic for Hypertrophic cardiomyopathy. Last evaluated: 2025-04-20. Review status: criteria provided, single submitter. Criteria: Invitae Variant Classification Sherloc (09022015). Collection method: clinical testing. Allele origin: germline.
Comment: This sequence change replaces glutamic acid, which is acidic and polar, with lysine, which is basic and polar, at codon 1116 of the MYH7 protein (p.Glu1116Lys). This variant is not present in population databases (gnomAD no frequency). This missense change has been observed in individuals with hypertrophic cardiomyopathy (internal data). ClinVar contains an entry for this variant (Variation ID: 177676). Invitae Evidence Modeling of protein sequence and biophysical properties (such as structural, functional, and spatial information, amino acid conservation, physicochemical variation, residue mobility, and thermodynamic stability) indicates that this missense variant is expected to disrupt MYH7 protein function with a positive predictive value of 95%. In summary, the currently available evidence indicates that the variant is pathogenic, but additional data are needed to prove that conclusively. Therefore, this variant has been classified as Likely Pathogenic.

Molecular Diagnostic Laboratory for Inherited Cardiovascular Disease, Montreal Heart Institute
Classification: Likely pathogenic for Cardiovascular phenotype. Last evaluated: 2024-08-16. Review status: criteria provided, single submitter. Criteria: ACMG Guidelines, 2015. Collection method: clinical testing. Allele origin: germline. Affected: yes.
Comment: PS4, PM2, PP3

3billion
Classification: Uncertain significance for Hypertrophic cardiomyopathy 1. Last evaluated: 2024-01-29. Review status: criteria provided, single submitter. Criteria: ACMG Guidelines, 2015. Collection method: clinical testing. Allele origin: germline. Affected: yes.
Comment: The variant is not observed in the gnomAD v2.1.1 dataset. Predicted Consequence/Location: Missense variant In silico tool predictions suggest damaging effect of the variant on gene or gene product [REVEL: 0.85 (>=0.6, sensitivity 0.68 and specificity 0.92); 3Cnet: 0.18 (>=0.6, sensitivity 0.72 and precision 0.9)]. Same nucleotide change resulting in same amino acid change has been previously reported to be associated with MYH7 related disorder (PMID: 18258667). However, the evidence of pathogenicity is insufficient at this time. Therefore, this variant is classified as VUS according to the recommendation of ACMG/AMP guideline.

Ambry Genetics
Classification: Uncertain significance for Cardiovascular phenotype. Last evaluated: 2023-11-14. Review status: criteria provided, single submitter. Criteria: Ambry Variant Classification Scheme 2023. Collection method: clinical testing. Allele origin: germline.
Comment: The p.E1116K variant (also known as c.3346G>A), located in coding exon 25 of the MYH7 gene, results from a G to A substitution at nucleotide position 3346. The glutamic acid at codon 1116 is replaced by lysine, an amino acid with similar properties. This alteration has been reported in individuals with hypertrophic cardiomyopathy (HCM); however, clinical details were limited in some cases (Waldm&uuml;ller S et al. Clin Chem, 2008 Apr;54:682-7; Millat G et al. Eur J Med Genet, 2010 Jul;53:261-7; Alfares AA et al. Genet Med, 2015 Nov;17:880-8; Bottillo I et al. Gene, 2016 Feb;577:227-35; Walsh R et al. Genet Med, 2017 Feb;19:192-203; Marschall C et al. Cardiovasc Diagn Ther, 2019 Oct;9:S292-S298; Piras P et al. Exp Physiol, 2019 Nov;104:1688-1700; van Lint FHM et al. Neth Heart J, 2019 Jun;27:304-309; Harper AR et al. Nat Genet, 2021 Feb;53:135-142; Sepp R et al. Diagnostics (Basel), 2022 May;12:[ePub ahead of print]). This amino acid position is highly conserved in available vertebrate species. In addition, this alteration is predicted to be deleterious by in silico analysis. Since supporting evidence is limited at this time, the clinical significance of this alteration remains unclear.

GeneDx
Classification: Uncertain significance. Last evaluated: 2023-09-12. Review status: criteria provided, single submitter. Criteria: GeneDx Variant Classification Process June 2021. Collection method: clinical testing. Allele origin: germline. Affected: yes.
Comment: Identified in patients with HCM referred for genetic testing at GeneDx and in published literature (Waldmuller et al., 2008; Walsh et al., 2017; Millat et al., 2010; Piras et al., 2019; Marschall et al., 2019; van Lint et al., 2019; Sepp et al., 2022; Lenarduzzi et al., 2023); Not observed at significant frequency in large population cohorts (gnomAD); In silico analysis supports that this missense variant has a deleterious effect on protein structure/function; This variant is associated with the following publications: (PMID: 27532257, 20624503, 20800588, 31737537, 21310275, 36788754, 35626289, 30847666, 31424582, 18258667)

Blueprint Genetics
Classification: Pathogenic for MYH7-related disorders. Last evaluated: 2022-09-26. Review status: criteria provided, single submitter. Criteria: ACMG Guidelines, 2015. Collection method: clinical testing. Allele origin: germline. Affected: yes. Observed: 1 variant allele.

Laboratory for Molecular Medicine, Mass General Brigham Personalized Medicine
Classification: Likely pathogenic for Hypertrophic cardiomyopathy. Last evaluated: 2014-04-04. Review status: criteria provided, single submitter. Criteria: LMM Criteria. Collection method: clinical testing. Allele origin: germline. Inheritance: Autosomal dominant inheritance. Observed: 2 variant alleles.
Comment: proposed classification - variant undergoing re-assessment, contact laboratory

Clinical Genetics Service, Universitary Hospital 12 de Octubre
Classification: Likely pathogenic for Hypertrophic cardiomyopathy 1. Review status: criteria provided, single submitter. Criteria: ACMG Guidelines, 2015. Collection method: clinical testing. Allele origin: germline. Affected: yes.

Juno Genomics, Hangzhou Juno Genomics, Inc
Classification: Likely pathogenic for Hypertrophic cardiomyopathy 1. Review status: criteria provided, single submitter. Criteria: ACMG Guidelines, 2015. Collection method: clinical testing. Allele origin: germline. Affected: yes.
Comment: Absent from controls (or at extremely low frequency if recessive) in Genome Aggregation Database, Exome Sequencing Project, 1000 Genomes Project, or Exome Aggregation Consortium.;Multiple lines of computational evidence support a deleterious effect on the gene or gene product (conservation, evolutionary, splicing impact, etc).;The prevalence of the variant in affected individuals is significantly increased compared to the prevalence in controls.

Literature cited by the submitters: PubMed 18258667 (cited by 3 submitters); PubMed 20624503 (cited by Ambry Genetics and Laboratory for Molecular Medicine, Mass General Brigham Personalized Medicine); PubMed 20800588 (cited by Ambry Genetics); PubMed 25611685 (cited by Ambry Genetics); PubMed 26656175 (cited by Ambry Genetics); PubMed 27532257 (cited by Ambry Genetics); PubMed 30847666 (cited by Ambry Genetics); PubMed 31424582 (cited by Ambry Genetics); PubMed 31737537 (cited by Ambry Genetics); PubMed 33495597 (cited by Ambry Genetics); PubMed 35626289 (cited by Ambry Genetics); PubMed 21310275 (cited by Laboratory for Molecular Medicine, Mass General Brigham Personalized Medicine).

NM_000257.4(MYH7):c.3346G>A (p.Glu1116Lys)

Gene: MYH7 (myosin heavy chain 7; minus strand). Cytogenetic location: 14q11.2.
Variant type: single nucleotide variant.
Coding change: c.3346G>A on transcript NM_000257.4 (MANE Select); coding-DNA position 3346, G replaced by A.
Protein change: p.Glu1116Lys; replaces glutamic acid 1116 with lysine.
Molecular consequence: missense variant.
Genome position (GRCh38, 1-based): chr14:23,420,225, C>T on the plus strand (G>A on the coding strand, the complement: MYH7 is on the minus strand). VCF-style: chr14-23420225-C-T. GRCh37 (hg19) VCF-style: chr14-23889434-C-T.
Other names: p.E1116K:GAG>AAG; short protein forms E1116K.
Identifiers: ClinVar variation 177676 (VCV000177676.26), dbSNP rs727504274, ClinGen allele CA013624.